The following is an entry in ClinVar:

ClinVar aggregate classification (germline): Likely benign. Review status: criteria provided, multiple submitters, no conflicts (2 of 4 stars). 3 submissions from 3 submitters: Likely benign (3). Last evaluated 2025-12-03.

Conditions:
FHOD3-related disorder. Also called: FHOD3-related condition.

gnomAD v4.1: 411 of 1,613,806 alleles (0.025%); highest among the groups gnomAD compares: South Asian, 0.4%; 4 homozygotes.

Submissions (3):

PreventionGenetics, part of Exact Sciences
Classification: Likely benign for FHOD3-related condition. Last evaluated: 2025-12-03. Review status: criteria provided, single submitter. Criteria: ACMG Guidelines, 2015. Collection method: clinical testing. Allele origin: germline.
Comment: This variant is classified as likely benign based on ACMG/AMP sequence variant interpretation guidelines (Richards et al. 2015 PMID: 25741868, with internal and published modifications).

Molecular Diagnostic Laboratory for Inherited Cardiovascular Disease, Montreal Heart Institute
Classification: Likely benign. Last evaluated: 2025-04-09. Review status: criteria provided, single submitter. Criteria: ACMG Guidelines, 2015. Collection method: clinical testing. Allele origin: germline. Affected: no.
Comment: BP7

Blueprint Genetics
Classification: Likely benign. Last evaluated: 2024-08-17. Review status: criteria provided, single submitter. Criteria: ACMG Guidelines, 2015. Collection method: clinical testing. Allele origin: germline.

NM_001281740.3(FHOD3):c.2124G>A (p.Ser708=)

Gene: FHOD3 (formin homology 2 domain containing 3; plus strand). Cytogenetic location: 18q12.2.
Variant type: single nucleotide variant.
Coding change: c.2124G>A on transcript NM_001281740.3 (MANE Select); coding-DNA position 2124, G replaced by A.
Protein change: p.Ser708=; no amino-acid change (serine 708 retained).
Molecular consequence: synonymous variant.
Genome position (GRCh38, 1-based): chr18:36,693,311, G>A. VCF-style: chr18-36693311-G-A. GRCh37 (hg19) VCF-style: chr18-34273274-G-A.
Other names: c.1548G>A, p.Ser516= (NM_001281739.3); c.1599G>A, p.Ser533= (NM_025135.5).
Identifiers: ClinVar variation 3895195 (VCV003895195.3), dbSNP rs566819168.